The following is an entry in ClinVar:

NM_000720.4(CACNA1D):c.1480T>C (p.Cys494Arg)

Gene: CACNA1D (calcium voltage-gated channel subunit alpha1 D; plus strand). Cytogenetic location: 3p21.1.
Variant type: single nucleotide variant.
Coding change: c.1480T>C on transcript NM_000720.4 (MANE Plus Clinical); coding-DNA position 1480, T replaced by C.
Protein change: p.Cys494Arg; replaces cysteine 494 with arginine.
Molecular consequence: missense variant. On other transcripts: intron variant (2).
Genome position (GRCh38, 1-based): chr3:53,718,683, T>C. VCF-style: chr3-53718683-T-C. GRCh37 (hg19) VCF-style: chr3-53752710-T-C.
Other names: c.1480T>C (NM_000720.2, NM_000720.3); c.1478+295T>C (NM_001128840.3, NM_001128839.3); short protein forms C494R.
Identifiers: ClinVar variation 592974 (VCV000592974.14), dbSNP rs201775251, ClinGen allele CA2453969.

ClinVar aggregate classification (germline): Uncertain significance. Review status: criteria provided, multiple submitters, no conflicts (2 of 4 stars). 6 submissions from 6 submitters: Uncertain significance (6). Last evaluated 2026-07-13.

Conditions:
Aldosterone-producing adenoma with seizures and neurological abnormalities. Also called: Primary aldosteronism, seizures, and neurologic abnormalities. Identifiers: Orphanet 369929, MedGen C3809609, MONDO:0014200, OMIM 615474.
Sinoatrial node dysfunction and deafness (SANDD). Identifiers: Orphanet 324321, MedGen C3554018, MONDO:0013960, OMIM 614896.
Inborn genetic diseases. Identifiers: MedGen C0950123, MeSH D030342.
Congenital anomaly of kidney and urinary tract. Also called: Congenital anomalies of the kidney and urinary tract; Congenital anomalies of kidney and urinary tract. Identifiers: Orphanet 93545, MedGen C1968949, MeSH C566906, MONDO:0019719.
CACNA1D-related disorder.

Allele frequency attached by ClinVar (database versions not stated): gnomAD exomes 0.00012 and 0.00024; ExAC 0.00014; gnomAD 0.00014 and 0.00015; TOPMed 0.00015; ESP Exome Variant Server 0.00023.
gnomAD v4.1: 353 of 1,552,488 alleles (0.023%); highest among the groups gnomAD compares: Non-Finnish European, 0.029%; no homozygotes.

Submissions (6):

PreventionGenetics, part of Exact Sciences
Classification: Uncertain significance for CACNA1D-related condition. Last evaluated: 2026-07-13. Review status: criteria provided, single submitter. Criteria: ACMG Guidelines, 2015. Collection method: clinical testing. Allele origin: germline.
Comment: The CACNA1D c.1480T>C variant is predicted to result in the amino acid substitution p.Cys494Arg. To our knowledge, this variant has not been reported in the literature. This variant is reported in 0.021% of alleles in individuals of European (Non-Finnish) descent in gnomAD. At this time, the clinical significance of this variant is uncertain due to the absence of conclusive functional and genetic evidence.

Labcorp Genetics (formerly Invitae), Labcorp
Classification: Uncertain significance. Last evaluated: 2026-01-30. Review status: criteria provided, single submitter. Criteria: Invitae Variant Classification Sherloc (09022015). Collection method: clinical testing. Allele origin: germline.
Comment: This sequence change replaces cysteine, which is neutral and slightly polar, with arginine, which is basic and polar, at codon 494 of the CACNA1D protein (p.Cys494Arg). This variant is present in population databases (rs201775251, gnomAD 0.02%). This variant has not been reported in the literature in individuals affected with CACNA1D-related conditions. ClinVar contains an entry for this variant (Variation ID: 592974). An algorithm developed to predict the effect of missense changes on protein structure and function (PolyPhen-2) suggests that this variant is likely to be tolerated. In summary, the available evidence is currently insufficient to determine the role of this variant in disease. Therefore, it has been classified as a Variant of Uncertain Significance.

Ambry Genetics
Classification: Uncertain significance for Inborn genetic diseases. Last evaluated: 2022-02-11. Review status: criteria provided, single submitter. Criteria: Ambry Variant Classification Scheme 2023. Collection method: clinical testing. Allele origin: germline.
Comment: Unlikely to be causative of primary aldosteronism, seizures, and neurologic abnormalities (AD) Based on insufficient or conflicting evidence, the clinical significance of this alteration remains unclear.

Fulgent Genetics
Classification: Uncertain significance for Sinoatrial node dysfunction and deafness; Aldosterone-producing adenoma with seizures and neurological abnormalities. Last evaluated: 2021-09-22. Review status: criteria provided, single submitter. Criteria: ACMG Guidelines, 2015. Collection method: clinical testing. Allele origin: unknown.

Cambridge Genomics Laboratory, East Genomic Laboratory Hub, NHS Genomic Medicine Service
Classification: Uncertain significance for Congenital anomaly of kidney and urinary tract. Last evaluated: 2020-04-29. Review status: criteria provided, single submitter. Criteria: ACGS Best Practice Guidelines for Variant Classification in Rare Disease 2020. Collection method: clinical testing. Allele origin: germline. Affected: yes. Observed: 1 variant allele.

Eurofins Ntd Llc (ga)
Classification: Uncertain significance. Last evaluated: 2017-07-07. Review status: criteria provided, single submitter. Criteria: EGL Classification Definitions 2015. Collection method: clinical testing. Allele origin: germline. Observed: 1 variant allele, 1 heterozygote.